The following is an entry in ClinVar:

NM_058216.3(RAD51C):c.127C>T (p.Pro43Ser)

Gene: RAD51C (RAD51 paralog C; plus strand). Cytogenetic location: 17q22.
Variant type: single nucleotide variant.
Coding change: c.127C>T on transcript NM_058216.3 (MANE Select); coding-DNA position 127, C replaced by T.
Protein change: p.Pro43Ser; replaces proline 43 with serine.
Molecular consequence: missense variant. On other transcripts: non-coding transcript variant (1).
Genome position (GRCh38, 1-based): chr17:58,692,770, C>T. VCF-style: chr17-58692770-C-T. GRCh37 (hg19) VCF-style: chr17-56770131-C-T.
Other names: c.127C>T, p.Pro43Ser (NM_002876.4); short protein forms P43S.
Identifiers: ClinVar variation 490120 (VCV000490120.12), dbSNP rs1442559963, ClinGen allele CA400337681.

ClinVar aggregate classification (germline): Uncertain significance. Review status: criteria provided, multiple submitters, no conflicts (2 of 4 stars). 3 submissions from 3 submitters: Uncertain significance (3). Last evaluated 2025-03-09.

Conditions:
Hereditary cancer-predisposing syndrome. Also called: Tumor predisposition; Neoplastic Syndromes, Hereditary; Hereditary Cancer Syndrome; Hereditary neoplastic syndrome. Identifiers: Orphanet 140162, MedGen C0027672, MeSH D009386, MONDO:0015356.
Fanconi anemia complementation group O. Also called: RAD51C-Related Fanconi Anemia. Identifiers: Orphanet 84, MedGen C3150653, MONDO:0013248, OMIM 613390.

Allele frequency attached by ClinVar (database versions not stated): gnomAD exomes below 0.00001.

Submissions (3):

Labcorp Genetics (formerly Invitae), Labcorp
Classification: Uncertain significance for Fanconi anemia complementation group O. Last evaluated: 2025-03-09. Review status: criteria provided, single submitter. Criteria: Invitae Variant Classification Sherloc (09022015). Collection method: clinical testing. Allele origin: germline.
Comment: This sequence change replaces proline, which is neutral and non-polar, with serine, which is neutral and polar, at codon 43 of the RAD51C protein (p.Pro43Ser). This variant is present in population databases (no rsID available, gnomAD 0.003%). This missense change has been observed in individual(s) with ovarian cancer (PMID: 26261251). ClinVar contains an entry for this variant (Variation ID: 490120). Invitae Evidence Modeling of protein sequence and biophysical properties (such as structural, functional, and spatial information, amino acid conservation, physicochemical variation, residue mobility, and thermodynamic stability) indicates that this missense variant is not expected to disrupt RAD51C protein function with a negative predictive value of 80%. In summary, the available evidence is currently insufficient to determine the role of this variant in disease. Therefore, it has been classified as a Variant of Uncertain Significance.

Mendelics
Classification: Uncertain significance. Last evaluated: 2022-05-04. Review status: criteria provided, single submitter. Criteria: Mendelics Assertion Criteria 2019. Collection method: clinical testing. Allele origin: germline.

Color Diagnostics, LLC DBA Color Health
Classification: Uncertain significance for Hereditary cancer-predisposing syndrome. Last evaluated: 2019-02-28. Review status: criteria provided, single submitter. Criteria: ACMG Guidelines, 2015. Collection method: clinical testing. Allele origin: germline.

Literature cited by the submitters: PubMed 26261251 (cited by Labcorp Genetics (formerly Invitae), Labcorp).